The following is an entry in ClinVar:

NM_001011.4(RPS7):c.472T>C (p.Leu158=)

Gene: RPS7 (ribosomal protein S7; plus strand). Cytogenetic location: 2p25.3.
Variant type: single nucleotide variant.
Coding change: c.472T>C on transcript NM_001011.4 (MANE Select); coding-DNA position 472, T replaced by C.
Protein change: p.Leu158=; no amino-acid change (leucine 158 retained).
Molecular consequence: synonymous variant.
Genome position (GRCh38, 1-based): chr2:3,580,225, T>C. VCF-style: chr2-3580225-T-C. GRCh37 (hg19) VCF-style: chr2-3627815-T-C.
Identifiers: ClinVar variation 3030063 (VCV003030063.2), dbSNP rs748972262, ClinGen allele CA1516696.

ClinVar aggregate classification (germline): Likely benign (0 of 4 stars; one submission).

Conditions:
RPS7-related disorder. Also called: RPS7-related condition.

Allele frequency attached by ClinVar (database versions not stated): TOPMed below 0.00001; gnomAD 0.00001; gnomAD exomes 0.00001; ExAC 0.00002.
gnomAD v4.1: 14 of 1,613,378 alleles (0.00087%); highest among the groups gnomAD compares: Admixed American, 0.005%; no homozygotes.

Submission:

PreventionGenetics, part of Exact Sciences
Classification: Likely benign for RPS7-related condition. Last evaluated: 2021-02-18. Review status: no assertion criteria provided. Collection method: clinical testing. Allele origin: germline.
Comment: This variant is classified as likely benign based on ACMG/AMP sequence variant interpretation guidelines (Richards et al. 2015 PMID: 25741868, with internal and published modifications).